The following is an entry in ClinVar:

NM_017491.5(WDR1):c.244C>T (p.Leu82=)

Gene: WDR1 (WD repeat domain 1; minus strand). Cytogenetic location: 4p16.1.
Variant type: single nucleotide variant.
Coding change: c.244C>T on transcript NM_017491.5 (MANE Select); coding-DNA position 244, C replaced by T.
Protein change: p.Leu82=; no amino-acid change (leucine 82 retained).
Molecular consequence: synonymous variant. On other transcripts: intron variant (1).
Genome position (GRCh38, 1-based): chr4:10,099,125, G>A on the plus strand (C>T on the coding strand, the complement: WDR1 is on the minus strand). VCF-style: chr4-10099125-G-A. GRCh37 (hg19) VCF-style: chr4-10100749-G-A.
Other names: c.139-10384C>T (NM_005112.5).
Identifiers: ClinVar variation 4989968 (VCV004989968.1).

ClinVar aggregate classification (germline): Likely benign (1 of 4 stars; one submission).

Conditions:
WDR1-related disorder. Also called: WDR1-related condition.

gnomAD v4.1: 18 of 1,581,166 alleles (0.0011%); highest among the groups gnomAD compares: Admixed American, 0.021%; no homozygotes.

Submission:

PreventionGenetics, part of Exact Sciences
Classification: Likely benign for WDR1-related condition. Last evaluated: 2025-08-14. Review status: criteria provided, single submitter. Criteria: ACMG Guidelines, 2015. Collection method: clinical testing. Allele origin: germline.
Comment: This variant is classified as likely benign based on ACMG/AMP sequence variant interpretation guidelines (Richards et al. 2015 PMID: 25741868, with internal and published modifications).